The following is an entry in ClinVar:

ClinVar aggregate classification (germline): Likely benign. Review status: criteria provided, single submitter (1 of 4 stars). 2 submissions from 2 submitters: Likely benign (1). 1 of the submissions does not count toward it. Last evaluated 2026-01-13.

Conditions:
LCT-related disorder. Also called: LCT-related condition.

Allele frequency attached by ClinVar (database versions not stated): ExAC 0.00008; ESP Exome Variant Server 0.00008; gnomAD exomes 0.00010 and 0.00012; TOPMed 0.00018; gnomAD 0.00021 and 0.00022.
gnomAD v4.1: 187 of 1,613,874 alleles (0.012%); highest among the groups gnomAD compares: Admixed American, 0.052%; no homozygotes.

Submissions (2):

Labcorp Genetics (formerly Invitae), Labcorp
Classification: Likely benign. Last evaluated: 2026-01-13. Review status: criteria provided, single submitter. Criteria: Invitae Variant Classification Sherloc (09022015). Collection method: clinical testing. Allele origin: germline.

PreventionGenetics, part of Exact Sciences
Classification: Likely benign for LCT-related condition. Last evaluated: 2024-01-11. Review status: no assertion criteria provided. Collection method: clinical testing. Allele origin: germline. Not counted in ClinVar's aggregate classification.
Comment: This variant is classified as likely benign based on ACMG/AMP sequence variant interpretation guidelines (Richards et al. 2015 PMID: 25741868, with internal and published modifications).

NM_002299.4(LCT):c.1692A>G (p.Gly564=)

Gene: LCT (lactase; minus strand). Cytogenetic location: 2q21.3.
Variant type: single nucleotide variant.
Coding change: c.1692A>G on transcript NM_002299.4 (MANE Select); coding-DNA position 1692, A replaced by G.
Protein change: p.Gly564=; no amino-acid change (glycine 564 retained).
Molecular consequence: synonymous variant.
Genome position (GRCh38, 1-based): chr2:135,817,356, T>C on the plus strand (A>G on the coding strand, the complement: LCT is on the minus strand). VCF-style: chr2-135817356-T-C. GRCh37 (hg19) VCF-style: chr2-136574926-T-C.
Other names: c.1692A>G (NM_002299.3).
Identifiers: ClinVar variation 1566481 (VCV001566481.10), dbSNP rs376966150, ClinGen allele CA1888361.